The following is an entry in ClinVar:

ClinVar aggregate classification (germline): Benign (1 of 4 stars; one submission).

Conditions:
Pitt-Hopkins syndrome (PTHS). Also called: ENCEPHALOPATHY, SEVERE EPILEPTIC, WITH AUTONOMIC DYSFUNCTION; MENTAL RETARDATION, SYNDROMAL, WITH INTERMITTENT HYPERVENTILATION. Identifiers: Orphanet 2896, MedGen C1970431, MONDO:0012589, OMIM 610954.

Allele frequency attached by ClinVar (database versions not stated): gnomAD 0.00079 and 0.00099; TOPMed 0.00112; 1000 Genomes Project 30x 0.00500; 1000 Genomes Project 0.00519.

Submission:

Illumina Laboratory Services, Illumina
Classification: Benign for Pitt-Hopkins syndrome. Last evaluated: 2018-01-13. Review status: criteria provided, single submitter. Criteria: ICSL Variant Classification Criteria 13 December 2019. Collection method: clinical testing. Allele origin: germline.
Comment: This variant was observed in the ICSL laboratory as part of a predisposition screen in an ostensibly healthy population. It had not been previously curated by ICSL or reported in the Human Gene Mutation Database (HGMD: prior to June 1st, 2018), and was therefore a candidate for classification through an automated scoring system. Utilizing variant allele frequency, disease prevalence and penetrance estimates, and inheritance mode, an automated score was calculated to assess if this variant is too frequent to cause the disease. Based on the score and internal cut-off values, a variant classified as benign is not then subjected to further curation. The score for this variant resulted in a classification of benign for this disease.

NM_001083962.2(TCF4):c.*1889T>G

Gene: TCF4 (transcription factor 4; minus strand). Cytogenetic location: 18q21.2.
Variant type: single nucleotide variant.
Coding change: c.*1889T>G on transcript NM_001083962.2 (MANE Select); 1889 bases downstream of the stop codon, T replaced by G.
Molecular consequence: 3 prime UTR variant.
Genome position (GRCh38, 1-based): chr18:55,226,146, A>C on the plus strand (T>G on the coding strand, the complement: TCF4 is on the minus strand). VCF-style: chr18-55226146-A-C. GRCh37 (hg19) VCF-style: chr18-52893377-A-C.
Other names: c.*1889T>G (NM_001243226.3, NM_001243227.2, NM_001243228.2 and 42 more transcripts).
Identifiers: ClinVar variation 327281 (VCV000327281.5), dbSNP rs180957404, ClinGen allele CA10641761.